The following is an entry in ClinVar:

NM_015295.3(SMCHD1):c.2696G>A (p.Gly899Asp)

Gene: SMCHD1 (structural maintenance of chromosomes flexible hinge domain containing 1; plus strand). Cytogenetic location: 18p11.32.
Variant type: single nucleotide variant.
Coding change: c.2696G>A on transcript NM_015295.3 (MANE Select); coding-DNA position 2696, G replaced by A.
Protein change: p.Gly899Asp; replaces glycine 899 with aspartic acid.
Molecular consequence: missense variant.
Genome position (GRCh38, 1-based): chr18:2,724,991, G>A. VCF-style: chr18-2724991-G-A. GRCh37 (hg19) VCF-style: chr18-2724989-G-A.
Other names: short protein forms G899D.
Identifiers: ClinVar variation 4775002 (VCV004775002.1).
Genomic context (GRCh38, chr18:2,724,991, plus strand): 5'-AAGGACCAAATTGTGTAATTCGAGGTGTTACAGCCAAGGGCCCTGTAAACTCTTGTCAAG[G>A]CAAGGTAAGCATTATGTATAGATCCTATGATACTTGTTAAGTATTTATTTATCATATGGT-3'
Protein context (NP_056110.2, residues 889-909): TAKGPVNSCQ[Gly899Asp]KNYNLKVTLP

ClinVar aggregate classification (germline): Uncertain significance (1 of 4 stars; one submission).

Conditions:
Facioscapulohumeral muscular dystrophy 2 (FSHD2). Also called: MUSCULAR DYSTROPHY, FACIOSCAPULOHUMERAL, TYPE 1B; FACIOSCAPULOHUMERAL MUSCULAR DYSTROPHY 2, DIGENIC; FSHD2, DIGENIC. Identifiers: Orphanet 269, MedGen C1834671, MONDO:0008031, OMIM 158901.

gnomAD v4.1: 1 of 1,558,144 alleles (0.000064%); highest among the groups gnomAD compares: Non-Finnish European, 0.000088%; no homozygotes.

Submission:

Labcorp Genetics (formerly Invitae), Labcorp
Classification: Uncertain significance for Facioscapulohumeral muscular dystrophy 2. Last evaluated: 2025-11-12. Review status: criteria provided, single submitter. Criteria: Invitae Variant Classification Sherloc (09022015). Collection method: clinical testing. Allele origin: germline.
Comment: This sequence change replaces glycine, which is neutral and non-polar, with aspartic acid, which is acidic and polar, at codon 899 of the SMCHD1 protein (p.Gly899Asp). This variant is not present in population databases (gnomAD no frequency). This variant has not been reported in the literature in individuals affected with SMCHD1-related conditions. Invitae Evidence Modeling of protein sequence and biophysical properties (such as structural, functional, and spatial information, amino acid conservation, physicochemical variation, residue mobility, and thermodynamic stability) has been performed for this missense variant. However, the output from this modeling did not meet the statistical confidence thresholds required to predict the impact of this variant on SMCHD1 protein function. In summary, the available evidence is currently insufficient to determine the role of this variant in disease. Therefore, it has been classified as a Variant of Uncertain Significance.